The following is an entry in ClinVar:

ClinVar aggregate classification (germline): Uncertain significance (1 of 4 stars; one submission).

Conditions:
Autosomal recessive limb-girdle muscular dystrophy type 2W (MDRCMTT). Also called: Muscular dystrophy, limb-girdle, type 2W; Muscular dystrophy, autosomal recessive, with cardiomyopathy and triangular tongue. Identifiers: MedGen C4225192, MONDO:0014788, OMIM 616827.

Submission:

Labcorp Genetics (formerly Invitae), Labcorp
Classification: Uncertain significance for Autosomal recessive limb-girdle muscular dystrophy type 2W. Last evaluated: 2022-08-02. Review status: criteria provided, single submitter. Criteria: Invitae Variant Classification Sherloc (09022015). Collection method: clinical testing. Allele origin: germline.
Comment: This variant has not been reported in the literature in individuals affected with LIMS2-related conditions. This variant is present in population databases (no rsID available, gnomAD 0.007%). This variant, c.948_950del, results in the deletion of 1 amino acid(s) of the LIMS2 protein (p.Asn316del), but otherwise preserves the integrity of the reading frame. Experimental studies and prediction algorithms are not available or were not evaluated, and the functional significance of this variant is currently unknown. In summary, the available evidence is currently insufficient to determine the role of this variant in disease. Therefore, it has been classified as a Variant of Uncertain Significance. Algorithms developed to predict the effect of sequence changes on RNA splicing suggest that this variant may create or strengthen a splice site.

NM_001161403.3(LIMS2):c.882_884del (p.Asn294del)

Gene: LIMS2 (LIM zinc finger domain containing 2; minus strand). Cytogenetic location: 2q14.3.
Variant type: Deletion.
Coding change: c.882_884del on transcript NM_001161403.3 (MANE Select); coding-DNA positions 882 to 884, 3 bases deleted (CAA; older notation c.882_884delCAA).
Protein change: p.Asn294del; deletes asparagine 294.
Molecular consequence: inframe deletion. On other transcripts: inframe indel (1).
Genome position (GRCh38, 1-based): chr2:127,639,423-127,639,425, TTG deleted on the plus strand (CAA on the coding strand, the reverse complement: LIMS2 is on the minus strand); deleting any 3 consecutive bases within chr2:127,639,423-127,639,427 gives the same sequence; the c. name uses the placement nearest the transcript's 3' end. VCF-style (leftmost placement, unchanged base first): chr2-127639422-CTTG-C. GRCh37 (hg19) VCF-style: chr2-128396997-CTTG-C.
Other names: c.948_950del, p.Asn316del (NM_001136037.4); c.867_869del, p.Asn289del (NM_001161404.2); c.424_426delAAC, p.Asn142del (NM_001161405.1); c.426_428del, p.Asn142del (NM_001256542.2); c.954_956del, p.Asn318del (NM_017980.5); short protein forms N142del, N294del, N316del, N318del, N289del.
Identifiers: ClinVar variation 2021125 (VCV002021125.4), dbSNP rs1558864889, ClinGen allele CA535661944.